The following is an entry in ClinVar:

NM_001376.5(DYNC1H1):c.3598C>A (p.Gln1200Lys)

Gene: DYNC1H1 (dynein cytoplasmic 1 heavy chain 1; plus strand). Cytogenetic location: 14q32.31.
Variant type: single nucleotide variant.
Coding change: c.3598C>A on transcript NM_001376.5 (MANE Select); coding-DNA position 3598, C replaced by A.
Protein change: p.Gln1200Lys; replaces glutamine 1200 with lysine.
Molecular consequence: missense variant.
Genome position (GRCh38, 1-based): chr14:101,997,068, C>A. VCF-style: chr14-101997068-C-A. GRCh37 (hg19) VCF-style: chr14-102463405-C-A.
Other names: short protein forms Q1200K.
Identifiers: ClinVar variation 1520491 (VCV001520491.8), dbSNP rs2141282625, ClinGen allele CA391035726.

ClinVar aggregate classification (germline): Uncertain significance (1 of 4 stars; one submission).

Conditions:
Charcot-Marie-Tooth disease axonal type 2O. Also called: Charcot-Marie-Tooth disease, axonal, type 20; CHARCOT-MARIE-TOOTH NEUROPATHY, AXONAL, TYPE 2O; CHARCOT-MARIE-TOOTH DISEASE, AXONAL, AUTOSOMAL DOMINANT, TYPE 2O; Charcot-Marie-Tooth Neuropathy Type 2O. Identifiers: Orphanet 284232, MedGen C3280220, MONDO:0013644, OMIM 614228.

Submission:

Labcorp Genetics (formerly Invitae), Labcorp
Classification: Uncertain significance for Charcot-Marie-Tooth disease axonal type 2O. Last evaluated: 2023-04-06. Review status: criteria provided, single submitter. Criteria: Invitae Variant Classification Sherloc (09022015). Collection method: clinical testing. Allele origin: germline.
Comment: This variant is not present in population databases (gnomAD no frequency). This variant has not been reported in the literature in individuals affected with DYNC1H1-related conditions. ClinVar contains an entry for this variant (Variation ID: 1520491). Advanced modeling of protein sequence and biophysical properties (such as structural, functional, and spatial information, amino acid conservation, physicochemical variation, residue mobility, and thermodynamic stability) performed at Invitae indicates that this missense variant is expected to disrupt DYNC1H1 protein function. In summary, the available evidence is currently insufficient to determine the role of this variant in disease. Therefore, it has been classified as a Variant of Uncertain Significance. This sequence change replaces glutamine, which is neutral and polar, with lysine, which is basic and polar, at codon 1200 of the DYNC1H1 protein (p.Gln1200Lys).